The following is an entry in ClinVar:

ClinVar aggregate classification (germline): Likely benign (0 of 4 stars; one submission).

Conditions:
PRG4-related disorder. Also called: PRG4-related condition.

Allele frequency attached by ClinVar (database versions not stated): gnomAD exomes 0.00002; gnomAD 0.00003; TOPMed 0.00003.
gnomAD v4.1: 36 of 1,613,874 alleles (0.0022%); highest among the groups gnomAD compares: Middle Eastern, 0.016%; no homozygotes.

Submission:

PreventionGenetics, part of Exact Sciences
Classification: Likely benign for PRG4-related condition. Last evaluated: 2019-10-28. Review status: no assertion criteria provided. Collection method: clinical testing. Allele origin: germline.
Comment: This variant is classified as likely benign based on ACMG/AMP sequence variant interpretation guidelines (Richards et al. 2015 PMID: 25741868, with internal and published modifications).

NM_005807.6(PRG4):c.96G>A (p.Gly32=)

Gene: PRG4 (proteoglycan 4; plus strand). Cytogenetic location: 1q31.1.
Variant type: single nucleotide variant.
Coding change: c.96G>A on transcript NM_005807.6 (MANE Select); coding-DNA position 96, G replaced by A.
Protein change: p.Gly32=; no amino-acid change (glycine 32 retained).
Molecular consequence: synonymous variant. On other transcripts: intron variant (2).
Genome position (GRCh38, 1-based): chr1:186,300,110, G>A. VCF-style: chr1-186300110-G-A. GRCh37 (hg19) VCF-style: chr1-186269242-G-A.
Other names: c.96G>A, p.Gly32= (NM_001127709.3, NM_001303232.2); c.77-1482G>A (NM_001127708.3, NM_001127710.3).
Identifiers: ClinVar variation 3045263 (VCV003045263.2), dbSNP rs1021939143, ClinGen allele CA33522597.